The following is an entry in ClinVar:

NM_012096.3(APPL1):c.36G>C (p.Thr12=)

Genes: APPL1 (adaptor protein, phosphotyrosine interacting with PH domain and leucine zipper 1; plus strand), LOC129936926 (ATAC-STARR-seq lymphoblastoid silent region 14480; plus strand). Cytogenetic location: 3p14.3.
Variant type: single nucleotide variant.
Coding change: c.36G>C on transcript NM_012096.3 (MANE Select); coding-DNA position 36, G replaced by C.
Protein change: p.Thr12=; no amino-acid change (threonine 12 retained).
Molecular consequence: synonymous variant.
Genome position (GRCh38, 1-based): chr3:57,227,919, G>C. VCF-style: chr3-57227919-G-C. GRCh37 (hg19) VCF-style: chr3-57261947-G-C.
Identifiers: ClinVar variation 1183160 (VCV001183160.42), dbSNP rs79282761, ClinGen allele CA2463372.

ClinVar aggregate classification (germline): Benign/Likely benign. Review status: criteria provided, multiple submitters, no conflicts (2 of 4 stars). 6 submissions from 6 submitters: Benign (4); Likely benign (2). Last evaluated 2026-09-01.

Conditions:
Maturity-onset diabetes of the young type 14. Also called: MODY 14. Identifiers: Orphanet 552, MedGen C4225299, MONDO:0014674, OMIM 616511.

Allele frequency attached by ClinVar (database versions not stated): 1000 Genomes Project 0.00160; ESP Exome Variant Server 0.00199; TOPMed 0.00270; 1000 Genomes Project 30x 0.00281; ExAC 0.00384; gnomAD exomes 0.00491 and 0.00827; gnomAD 0.00890 and 0.00944.
gnomAD v4.1: 7,752 of 1,464,962 alleles (0.53%); highest among the groups gnomAD compares: Non-Finnish European, 0.36%; 183 homozygotes.

Submissions (6):

CeGaT Center for Human Genetics Tuebingen
Classification: Likely benign. Last evaluated: 2026-09-01. Review status: criteria provided, single submitter. Criteria: CeGaT Center For Human Genetics Tuebingen Variant Classification Criteria Version 2. Collection method: clinical testing. Allele origin: germline. Affected: yes. Observed: 6 variant alleles.
Comment: APPL1: BP4, BP7, BS2

Labcorp Genetics (formerly Invitae), Labcorp
Classification: Benign. Last evaluated: 2026-01-28. Review status: criteria provided, single submitter. Criteria: Invitae Variant Classification Sherloc (09022015). Collection method: clinical testing. Allele origin: germline.

ARUP Laboratories, Molecular Genetics and Genomics, ARUP Laboratories
Classification: Likely benign for Maturity-onset diabetes of the young type 14. Last evaluated: 2024-07-11. Review status: criteria provided, single submitter. Criteria: ARUP Molecular Germline Variant Investigation Process 2024. Collection method: clinical testing. Allele origin: germline.

Genetic Services Laboratory, University of Chicago
Classification: Benign. Last evaluated: 2021-06-11. Review status: criteria provided, single submitter. Criteria: ACMG Guidelines, 2015. Collection method: clinical testing. Allele origin: germline. Affected: no.

GeneDx
Classification: Benign. Last evaluated: 2019-03-10. Review status: criteria provided, single submitter. Criteria: GeneDx Variant Classification Process June 2021. Collection method: clinical testing. Allele origin: germline. Affected: yes.

Breakthrough Genomics
Classification: Benign. Review status: criteria provided, single submitter. Criteria: ACMG Guidelines, 2015. Collection method: not provided. Allele origin: germline. Inheritance: Autosomal dominant inheritance. Affected: yes.